The following is an entry in ClinVar:

NM_002734.5(PRKAR1A):c.438A>T (p.Arg146Ser)

Gene: PRKAR1A (protein kinase cAMP-dependent type I regulatory subunit alpha; plus strand). Cytogenetic location: 17q24.2.
Variant type: single nucleotide variant.
Coding change: c.438A>T on transcript NM_002734.5 (MANE Select); coding-DNA position 438, A replaced by T.
Protein change: p.Arg146Ser; replaces arginine 146 with serine.
Molecular consequence: missense variant.
Genome position (GRCh38, 1-based): chr17:68,523,814, A>T. VCF-style: chr17-68523814-A-T. GRCh37 (hg19) VCF-style: chr17-66519955-A-T.
Other names: c.438A>T, p.Arg146Ser (NM_001276289.2, NM_001276290.1, NM_001278433.2 and 4 more transcripts); short protein forms R146S.
Identifiers: ClinVar variation 842181 (VCV000842181.9), dbSNP rs2085693747, ClinGen allele CA400752749.
Genomic context (GRCh38, chr17:68,523,814, plus strand): 5'-CGCTTTAGCCAAAGCCATTGAAAAGAATGTGCTGTTTTCACATCTTGATGATAATGAGAG[A>T]AGGTAGGAACAGGCTCTTTCTTAACACTATTTTTCAAGTAAGGGTGTGATCCCAAATTGT-3'
Protein context (NP_002725.1, residues 136-156): VLFSHLDDNE[Arg146Ser]SDIFDAMFSV

ClinVar aggregate classification (germline): Uncertain significance (1 of 4 stars; one submission).

Conditions:
Carney complex, type 1 (CNC1). Also called: CARNEY COMPLEX, TYPE I; CARNEY MYXOMA-ENDOCRINE COMPLEX. Identifiers: Orphanet 1359, MedGen C2607929, MONDO:0008057, OMIM 160980.

Submission:

Labcorp Genetics (formerly Invitae), Labcorp
Classification: Uncertain significance for Carney complex, type 1. Last evaluated: 2019-12-19. Review status: criteria provided, single submitter. Criteria: Invitae Variant Classification Sherloc (09022015). Collection method: clinical testing. Allele origin: germline.
Comment: In summary, the available evidence is currently insufficient to determine the role of this variant in disease. Therefore, it has been classified as a Variant of Uncertain Significance. Algorithms developed to predict the effect of sequence changes on RNA splicing suggest that this variant may create or strengthen a splice site, but this prediction has not been confirmed by published transcriptional studies. This variant has been reported to affect PRKAR1A protein function (PMID: 18241045, 22112814). This variant has been observed in individual(s) with Carney complex (PMID: 16569736). This variant is not present in population databases (ExAC no frequency). This sequence change replaces arginine with serine at codon 146 of the PRKAR1A protein (p.Arg146Ser). The arginine residue is moderately conserved and there is a moderate physicochemical difference between arginine and serine.

Literature cited by the submitters: PubMed 18241045; PubMed 22112814; PubMed 16569736.